The following is an entry in ClinVar:

NM_006514.4(SCN10A):c.485T>G (p.Val162Gly)

Gene: SCN10A (sodium voltage-gated channel alpha subunit 10; minus strand). Cytogenetic location: 3p22.2.
Variant type: single nucleotide variant.
Coding change: c.485T>G on transcript NM_006514.4 (MANE Select); coding-DNA position 485, T replaced by G.
Protein change: p.Val162Gly; replaces valine 162 with glycine.
Molecular consequence: missense variant.
Genome position (GRCh38, 1-based): chr3:38,771,393, A>C on the plus strand (T>G on the coding strand, the complement: SCN10A is on the minus strand). VCF-style: chr3-38771393-A-C. GRCh37 (hg19) VCF-style: chr3-38812884-A-C.
Other names: c.485T>G, p.Val162Gly (NM_001293306.2, NM_001293307.2); c.485T>G (NM_006514.2); short protein forms V162G.
Identifiers: ClinVar variation 1505322 (VCV001505322.9), dbSNP rs2126041064, ClinGen allele CA352156517.

ClinVar aggregate classification (germline): Uncertain significance. Review status: criteria provided, multiple submitters, no conflicts (2 of 4 stars). 2 submissions from 2 submitters: Uncertain significance (2). Last evaluated 2026-07-19.

Conditions:
Cardiovascular phenotype. Identifiers: MedGen CN230736.
Brugada syndrome. Also called: Sudden unexplained nocturnal death syndrome; Sudden unexpected nocturnal death syndrome; Sudden Unexplained Death Syndrome; Sudden Unexplained Nocturnal Death Syndrome (SUNDS). Identifiers: Orphanet 130, MedGen C1142166, MONDO:0015263.

Allele frequency attached by ClinVar (database versions not stated): gnomAD exomes below 0.00001.
gnomAD v4.1: 5 of 1,614,072 alleles (0.00031%); highest among the groups gnomAD compares: Non-Finnish European, 0.00025%; no homozygotes.

Submissions (2):

Ambry Genetics
Classification: Uncertain significance for Cardiovascular phenotype. Last evaluated: 2026-07-19. Review status: criteria provided, single submitter. Criteria: Ambry Variant Classification Scheme 2023. Collection method: clinical testing. Allele origin: germline.
Comment: The p.V162G variant (also known as c.485T>G), located in coding exon 4 of the SCN10A gene, results from a T to G substitution at nucleotide position 485. The valine at codon 162 is replaced by glycine, an amino acid with dissimilar properties. This amino acid position is conserved. In addition, this alteration is predicted to be tolerated by in silico analysis. Based on the available evidence, the clinical significance of this variant remains unclear.

Labcorp Genetics (formerly Invitae), Labcorp
Classification: Uncertain significance for Brugada syndrome. Last evaluated: 2021-06-10. Review status: criteria provided, single submitter. Criteria: Invitae Variant Classification Sherloc (09022015). Collection method: clinical testing. Allele origin: germline.
Comment: This sequence change replaces valine with glycine at codon 162 of the SCN10A protein (p.Val162Gly). The valine residue is weakly conserved and there is a moderate physicochemical difference between valine and glycine. This variant is not present in population databases (ExAC no frequency). This variant has not been reported in the literature in individuals with SCN10A-related conditions. Advanced modeling of protein sequence and biophysical properties (such as structural, functional, and spatial information, amino acid conservation, physicochemical variation, residue mobility, and thermodynamic stability) performed at Invitae indicates that this missense variant is not expected to disrupt SCN10A protein function. In summary, the available evidence is currently insufficient to determine the role of this variant in disease. Therefore, it has been classified as a Variant of Uncertain Significance.